The following is an entry in ClinVar:

NM_000135.4(FANCA):c.2656G>T (p.Glu886Ter)

Genes: FANCA (FA complementation group A; minus strand), LOC130059837 (ATAC-STARR-seq lymphoblastoid active region 11420; plus strand). Cytogenetic location: 16q24.3.
Variant type: single nucleotide variant.
Coding change: c.2656G>T on transcript NM_000135.4 (MANE Select); coding-DNA position 2656, G replaced by T.
Protein change: p.Glu886Ter; replaces glutamic acid 886 with a stop codon.
Molecular consequence: nonsense.
Genome position (GRCh38, 1-based): chr16:89,765,012, C>A on the plus strand (G>T on the coding strand, the complement: FANCA is on the minus strand). VCF-style: chr16-89765012-C-A. GRCh37 (hg19) VCF-style: chr16-89831420-C-A.
Other names: c.2656G>T, p.Glu886Ter (NM_001286167.3); short protein forms E886*.
Identifiers: ClinVar variation 1070229 (VCV001070229.8), dbSNP rs1487360770, ClinGen allele CA397438704.

ClinVar aggregate classification (germline): Pathogenic. Review status: criteria provided, multiple submitters, no conflicts (2 of 4 stars). 2 submissions from 2 submitters: Pathogenic (2). Last evaluated 2022-03-19.

Conditions:
Fanconi anemia (FA). Also called: Fanconi's anemia. Identifiers: Orphanet 84, MedGen C0015625, MeSH D005199, MONDO:0019391.

Submissions (2):

Labcorp Genetics (formerly Invitae), Labcorp
Classification: Pathogenic for Fanconi anemia. Last evaluated: 2022-03-19. Review status: criteria provided, single submitter. Criteria: Invitae Variant Classification Sherloc (09022015). Collection method: clinical testing. Allele origin: germline.
Comment: For these reasons, this variant has been classified as Pathogenic. Algorithms developed to predict the effect of sequence changes on RNA splicing suggest that this variant may disrupt the consensus splice site. ClinVar contains an entry for this variant (Variation ID: 1070229). This variant has not been reported in the literature in individuals affected with FANCA-related conditions. This variant is not present in population databases (gnomAD no frequency). This sequence change creates a premature translational stop signal (p.Glu886*) in the FANCA gene. It is expected to result in an absent or disrupted protein product. Loss-of-function variants in FANCA are known to be pathogenic (PMID: 19367192).

Dept. of Cytogenetics, ICMR- National Institute of Immunohaematology
Classification: Pathogenic for Fanconi anemia. Review status: criteria provided, single submitter. Criteria: ACMG Guidelines, 2015. Collection method: clinical testing. Allele origin: germline. Affected: yes. Observed: 1 variant allele.

Literature cited by the submitters: PubMed 19367192 (cited by Labcorp Genetics (formerly Invitae), Labcorp).